The following is an entry in ClinVar:

ClinVar aggregate classification (germline): Uncertain significance. Review status: criteria provided, multiple submitters, no conflicts (2 of 4 stars). 2 submissions from 2 submitters: Uncertain significance (2). Last evaluated 2021-10-27.

Conditions:
Hyperphosphatasia with impaired intellectual development syndrome 2. Also called: Hyperphosphatasia with intellectual disability syndrome 2; GLYCOSYLPHOSPHATIDYLINOSITOL BIOSYNTHESIS DEFECT 6. Identifiers: Orphanet 247262, MedGen C3553637, MONDO:0013882, OMIM 614749.
Inborn genetic diseases. Identifiers: MedGen C0950123, MeSH D030342.

Allele frequency attached by ClinVar (database versions not stated): ExAC 0.00002; gnomAD 0.00001; TOPMed 0.00001; ESP Exome Variant Server 0.00008.
gnomAD v4.1: 6 of 1,613,722 alleles (0.00037%); highest among the groups gnomAD compares: African/African-American, 0.008%; no homozygotes.

Submissions (2):

Ambry Genetics
Classification: Uncertain significance for Inborn genetic diseases. Last evaluated: 2021-10-27. Review status: criteria provided, single submitter. Criteria: Ambry Variant Classification Scheme 2023. Collection method: clinical testing. Allele origin: germline.

Labcorp Genetics (formerly Invitae), Labcorp
Classification: Uncertain significance for Hyperphosphatasia with impaired intellectual development syndrome 2. Last evaluated: 2021-08-11. Review status: criteria provided, single submitter. Criteria: Invitae Variant Classification Sherloc (09022015). Collection method: clinical testing. Allele origin: germline.
Comment: This sequence change replaces leucine with valine at codon 862 of the PIGO protein (p.Leu862Val). The leucine residue is moderately conserved and there is a small physicochemical difference between leucine and valine. This variant is present in population databases (rs377645902, ExAC 0.02%). This variant has not been reported in the literature in individuals affected with PIGO-related conditions. Algorithms developed to predict the effect of missense changes on protein structure and function are either unavailable or do not agree on the potential impact of this missense change (SIFT: "Tolerated"; PolyPhen-2: "Probably Damaging"; Align-GVGD: "Class C0"). In summary, the available evidence is currently insufficient to determine the role of this variant in disease. Therefore, it has been classified as a Variant of Uncertain Significance.

NM_032634.4(PIGO):c.2584C>G (p.Leu862Val)

Gene: PIGO (phosphatidylinositol glycan anchor biosynthesis class O; minus strand). Cytogenetic location: 9p13.3.
Variant type: single nucleotide variant.
Coding change: c.2584C>G on transcript NM_032634.4 (MANE Select); coding-DNA position 2584, C replaced by G.
Protein change: p.Leu862Val; replaces leucine 862 with valine.
Molecular consequence: missense variant. On other transcripts: intron variant (2).
Genome position (GRCh38, 1-based): chr9:35,091,303, G>C on the plus strand (C>G on the coding strand, the complement: PIGO is on the minus strand). VCF-style: chr9-35091303-G-C. GRCh37 (hg19) VCF-style: chr9-35091300-G-C.
Other names: c.2584C>G (NM_032634.3); c.1345-12C>G (NM_152850.4, NM_001201484.2); short protein forms L862V.
Identifiers: ClinVar variation 1430574 (VCV001430574.4), dbSNP rs377645902, ClinGen allele CA5040390.